The following is an entry in ClinVar:

NM_001110556.2(FLNA):c.462G>A (p.Met154Ile)

Gene: FLNA (filamin A; minus strand). Cytogenetic location: Xq28.
Variant type: single nucleotide variant.
Coding change: c.462G>A on transcript NM_001110556.2 (MANE Select); coding-DNA position 462, G replaced by A.
Protein change: p.Met154Ile; replaces methionine 154 with isoleucine.
Molecular consequence: missense variant.
Genome position (GRCh38, 1-based): chrX:154,368,002, C>T on the plus strand (G>A on the coding strand, the complement: FLNA is on the minus strand). VCF-style: chrX-154368002-C-T. GRCh37 (hg19) VCF-style: chrX-153596370-C-T.
Other names: c.462G>A, p.Met154Ile (NM_001456.4); short protein forms M154I.
Identifiers: ClinVar variation 4793891 (VCV004793891.1).

ClinVar aggregate classification (germline): Uncertain significance (1 of 4 stars; one submission).

Conditions:
Heterotopia, periventricular, X-linked dominant (PVNH1). Also called: PERIVENTRICULAR NODULAR HETEROTOPIA 1; X-linked periventricular heterotopia; PERIVENTRICULAR NODULAR HETEROTOPIA 4; HETEROTOPIA, PERIVENTRICULAR, 1. Identifiers: Orphanet 2149, Orphanet 82004, MedGen C1848213, MONDO:0010233, OMIM 300049.
Melnick-Needles syndrome (MNS). Also called: MELNICK-NEEDLES OSTEODYSPLASTY; OSTEODYSPLASTY OF MELNICK AND NEEDLES; Melnick-Needles Syndrome (FLNA-MNS). Identifiers: Orphanet 2484, MedGen C0025237, MONDO:0010650, OMIM 309350.
Frontometaphyseal dysplasia (FMD1). Identifiers: Orphanet 1826, MedGen C0265293, MONDO:0015942.
Oto-palato-digital syndrome, type II (OPD2). Also called: FACIOPALATOOSSEOUS SYNDROME; OPD II SYNDROME; Otopalatodigital Syndrome Type 2 (FLNA-OPD2); Otopalatodigital Syndrome, Type II. Identifiers: Orphanet 669, Orphanet 90652, MedGen C1844696, MONDO:0010571, OMIM 304120.

Submission:

Labcorp Genetics (formerly Invitae), Labcorp
Classification: Uncertain significance for Oto-palato-digital syndrome, type II; Heterotopia, periventricular, X-linked dominant; Frontometaphyseal dysplasia; Melnick-Needles syndrome. Last evaluated: 2025-12-19. Review status: criteria provided, single submitter. Criteria: Invitae Variant Classification Sherloc (09022015). Collection method: clinical testing. Allele origin: germline.
Comment: This sequence change replaces methionine, which is neutral and non-polar, with isoleucine, which is neutral and non-polar, at codon 154 of the FLNA protein (p.Met154Ile). This variant is not present in population databases (gnomAD no frequency). This variant has not been reported in the literature in individuals affected with FLNA-related conditions. Invitae Evidence Modeling of protein sequence and biophysical properties (such as structural, functional, and spatial information, amino acid conservation, physicochemical variation, residue mobility, and thermodynamic stability) indicates that this missense variant is not expected to disrupt FLNA protein function with a negative predictive value of 95%. In summary, the available evidence is currently insufficient to determine the role of this variant in disease. Therefore, it has been classified as a Variant of Uncertain Significance.